The following is an entry in ClinVar:

ClinVar aggregate classification (germline): Uncertain significance (1 of 4 stars; one submission).

Submission:

Labcorp Genetics (formerly Invitae), Labcorp
Classification: Uncertain significance. Last evaluated: 2020-03-31. Review status: criteria provided, single submitter. Criteria: Invitae Variant Classification Sherloc (09022015). Collection method: clinical testing. Allele origin: germline.
Comment: This variant disrupts the p.Met1778 amino acid residue in ABCA4. Other variant(s) that disrupt this residue have been observed in individuals with ABCA4-related conditions (PMID: 30060493), which suggests that this may be a clinically significant amino acid residue. This sequence change replaces methionine with arginine at codon 1778 of the ABCA4 protein (p.Met1778Arg). The methionine residue is highly conserved and there is a moderate physicochemical difference between methionine and arginine. This variant is not present in population databases (ExAC no frequency). This variant has been observed in individual(s) with ABCA4-related conditions (Invitae). Algorithms developed to predict the effect of missense changes on protein structure and function (SIFT, PolyPhen-2, Align-GVGD) all suggest that this variant is likely to be disruptive, but these predictions have not been confirmed by published functional studies and their clinical significance is uncertain. Algorithms developed to predict the effect of sequence changes on RNA splicing suggest that this variant may create or strengthen a splice site, but this prediction has not been confirmed by published transcriptional studies. In summary, the available evidence is currently insufficient to determine the role of this variant in disease. Therefore, it has been classified as a Variant of Uncertain Significance.

Literature cited by the submitters: PubMed 30060493.

NM_000350.3(ABCA4):c.5333T>G (p.Met1778Arg)

Gene: ABCA4 (ATP binding cassette subfamily A member 4; minus strand). Cytogenetic location: 1p22.1.
Variant type: single nucleotide variant.
Coding change: c.5333T>G on transcript NM_000350.3 (MANE Select); coding-DNA position 5333, T replaced by G.
Protein change: p.Met1778Arg; replaces methionine 1778 with arginine.
Molecular consequence: missense variant.
Genome position (GRCh38, 1-based): chr1:94,014,670, A>C on the plus strand (T>G on the coding strand, the complement: ABCA4 is on the minus strand). VCF-style: chr1-94014670-A-C. GRCh37 (hg19) VCF-style: chr1-94480226-A-C.
Other names: c.5111T>G, p.Met1704Arg (NM_001425324.1); short protein forms M1778R, M1704R.
Identifiers: ClinVar variation 1008595 (VCV001008595.8), dbSNP rs748706582, ClinGen allele CA341281497.